The following is an entry in ClinVar:

NM_003119.4(SPG7):c.2379G>T (p.Trp793Cys)

Gene: SPG7 (SPG7 matrix AAA peptidase subunit, paraplegin; plus strand). Cytogenetic location: 16q24.3.
Variant type: single nucleotide variant.
Coding change: c.2379G>T on transcript NM_003119.4 (MANE Select); coding-DNA position 2379, G replaced by T.
Protein change: p.Trp793Cys; replaces tryptophan 793 with cysteine.
Molecular consequence: missense variant. On other transcripts: 3 prime UTR variant (1).
Genome position (GRCh38, 1-based): chr16:89,557,084, G>T. VCF-style: chr16-89557084-G-T. GRCh37 (hg19) VCF-style: chr16-89623492-G-T.
Other names: c.*157G>T (NM_001363850.1); short protein forms W793C.
Identifiers: ClinVar variation 2684020 (VCV002684020.2), dbSNP rs372824496, ClinGen allele CA8244665.
Genomic context (GRCh38, chr16:89,557,084, plus strand): 5'-GGGCGAGGAGGAGACCGAAGAGACCCAGCAGCCTCCACTTGGAGGCGAAGAGCCGACTTG[G>T]CCCAAGTAGTTGGGAGGTGTTGGCTGCACGTGCGGGTGGTCCGGGAAGTGAGGGCTCACT-3'
Protein context (NP_003110.1, residues 783-795): QPPLGGEEPT[Trp793Cys]PK

ClinVar aggregate classification (germline): Uncertain significance. Review status: criteria provided, multiple submitters, no conflicts (2 of 4 stars). 2 submissions from 2 submitters: Uncertain significance (2). Last evaluated 2025-02-07.

Conditions:
Inborn genetic diseases. Identifiers: MedGen C0950123, MeSH D030342.

Allele frequency attached by ClinVar (database versions not stated): ExAC 0.00001; gnomAD 0.00001; TOPMed 0.00001; ESP Exome Variant Server 0.00008.
gnomAD v4.1: 7 of 1,611,164 alleles (0.00043%); highest among the groups gnomAD compares: African/African-American, 0.0013%; no homozygotes.

Submissions (2):

Ambry Genetics
Classification: Uncertain significance for Inborn genetic diseases. Last evaluated: 2025-02-07. Review status: criteria provided, single submitter. Criteria: Ambry Variant Classification Scheme 2023. Collection method: clinical testing. Allele origin: germline.

Athena Diagnostics
Classification: Uncertain significance. Last evaluated: 2022-11-21. Review status: criteria provided, single submitter. Criteria: Athena Diagnostics Criteria. Collection method: clinical testing. Allele origin: unknown.
Comment: Available data are insufficient to determine the clinical significance of the variant at this time. The frequency of this variant in the general population is uninformative in assessment of its pathogenicity. Computational tools predict that this variant is not damaging.